The following is an entry in ClinVar:

NM_003919.3(SGCE):c.942C>A (p.Tyr314Ter)

Genes: CASD1 (CAS1 domain sialic acid O acetyltransferase 1; plus strand), SGCE (sarcoglycan epsilon; minus strand). Cytogenetic location: 7q21.3.
Variant type: single nucleotide variant.
Coding change: c.942C>A on transcript NM_003919.3 (MANE Select); coding-DNA position 942, C replaced by A.
Protein change: p.Tyr314Ter; replaces tyrosine 314 with a stop codon.
Molecular consequence: nonsense.
Genome position (GRCh38, 1-based): chr7:94,600,741, G>T on the plus strand (C>A on the coding strand, the complement: SGCE is on the minus strand). VCF-style: chr7-94600741-G-T. GRCh37 (hg19) VCF-style: chr7-94230053-G-T.
Other names: c.942C>A, p.Tyr314Ter (NM_001099400.2, NM_001099401.2, NM_001346717.2); c.819C>A, p.Tyr273Ter (NM_001301139.2, NM_001362809.2); c.1050C>A, p.Tyr350Ter (NM_001346713.2, NM_001346715.2); c.855C>A, p.Tyr285Ter (NM_001346719.2, NM_001362807.2); c.669C>A, p.Tyr223Ter (NM_001346720.2, NM_001362808.2); c.942C>A (NM_003919.2); short protein forms Y223*, Y273*, Y285*, Y314*, Y350*.
Identifiers: ClinVar variation 1069378 (VCV001069378.8), dbSNP rs2116694543, ClinGen allele CA368230780.

ClinVar aggregate classification (germline): Pathogenic/Likely pathogenic. Review status: criteria provided, multiple submitters, no conflicts (2 of 4 stars). 2 submissions from 2 submitters: Pathogenic (1); Likely pathogenic (1). Last evaluated 2024-12-05.

Conditions:
Myoclonic dystonia 11 (DYT11). Also called: DYT-SGCE; Myoclonic dystonia; Dystonia 11; Dystonia, alcohol responsive; Hereditary essential myoclonus; SGCE Myoclonus-Dystonia. Identifiers: Orphanet 36899, MedGen C1834570, MONDO:0008044, OMIM 159900.

Submissions (2):

GeneDx
Classification: Likely pathogenic. Last evaluated: 2024-12-05. Review status: criteria provided, single submitter. Criteria: GeneDx Variant Classification Process June 2021. Collection method: clinical testing. Allele origin: germline. Affected: yes.
Comment: Reported in twin siblings with myoclonus (PMID: 19147379); Nonsense variant predicted to result in protein truncation or nonsense mediated decay in a gene for which loss of function is a known mechanism of disease; Not observed at significant frequency in large population cohorts (gnomAD); This variant is associated with the following publications: (PMID: 25525159, 12821748, 24297365, 15389977, 17853490, 19147379)

Labcorp Genetics (formerly Invitae), Labcorp
Classification: Pathogenic for Myoclonic dystonia 11. Last evaluated: 2021-08-29. Review status: criteria provided, single submitter. Criteria: Invitae Variant Classification Sherloc (09022015). Collection method: clinical testing. Allele origin: germline.
Comment: For these reasons, this variant has been classified as Pathogenic. ClinVar contains an entry for this variant (Variation ID: 1069378). This premature translational stop signal has been observed in individual(s) with myoclonic dystonia (PMID: 19147379). This variant is not present in population databases (ExAC no frequency). This sequence change creates a premature translational stop signal (p.Tyr314*) in the SGCE gene. It is expected to result in an absent or disrupted protein product. Loss-of-function variants in SGCE are known to be pathogenic (PMID: 12821748, 15389977, 17853490, 24297365).

Literature cited by the submitters: PubMed 19147379 (cited by Labcorp Genetics (formerly Invitae), Labcorp); PubMed 12821748 (cited by Labcorp Genetics (formerly Invitae), Labcorp); PubMed 15389977 (cited by Labcorp Genetics (formerly Invitae), Labcorp); PubMed 17853490 (cited by Labcorp Genetics (formerly Invitae), Labcorp); PubMed 24297365 (cited by Labcorp Genetics (formerly Invitae), Labcorp).